The following is an entry in ClinVar:

NM_001252024.2(TRPM1):c.1912A>G (p.Met638Val)

Gene: TRPM1 (transient receptor potential cation channel subfamily M member 1; minus strand). Cytogenetic location: 15q13.3.
Variant type: single nucleotide variant.
Coding change: c.1912A>G on transcript NM_001252024.2 (MANE Select); coding-DNA position 1912, A replaced by G.
Protein change: p.Met638Val; replaces methionine 638 with valine.
Molecular consequence: missense variant.
Genome position (GRCh38, 1-based): chr15:31,042,126, T>C on the plus strand (A>G on the coding strand, the complement: TRPM1 is on the minus strand). VCF-style: chr15-31042126-T-C. GRCh37 (hg19) VCF-style: chr15-31334329-T-C.
Other names: c.1963A>G, p.Met655Val (NM_001252020.2); c.1846A>G, p.Met616Val (NM_002420.6); short protein forms M655V, M638V, M616V.
Identifiers: ClinVar variation 1045413 (VCV001045413.8), dbSNP rs926619719, ClinGen allele CA391512260.

ClinVar aggregate classification (germline): Uncertain significance (1 of 4 stars; one submission).

Submission:

Labcorp Genetics (formerly Invitae), Labcorp
Classification: Uncertain significance. Last evaluated: 2022-10-25. Review status: criteria provided, single submitter. Criteria: Invitae Variant Classification Sherloc (09022015). Collection method: clinical testing. Allele origin: germline.
Comment: This sequence change replaces methionine, which is neutral and non-polar, with valine, which is neutral and non-polar, at codon 616 of the TRPM1 protein (p.Met616Val). This variant is not present in population databases (gnomAD no frequency). This variant has not been reported in the literature in individuals affected with TRPM1-related conditions. ClinVar contains an entry for this variant (Variation ID: 1045413). Advanced modeling of protein sequence and biophysical properties (such as structural, functional, and spatial information, amino acid conservation, physicochemical variation, residue mobility, and thermodynamic stability) performed at Invitae indicates that this missense variant is not expected to disrupt TRPM1 protein function. In summary, the available evidence is currently insufficient to determine the role of this variant in disease. Therefore, it has been classified as a Variant of Uncertain Significance.